The following is an entry in ClinVar:

ClinVar aggregate classification (germline): Uncertain significance. Review status: criteria provided, multiple submitters, no conflicts (2 of 4 stars). 2 submissions from 2 submitters: Uncertain significance (2). Last evaluated 2025-01-23.

Allele frequency attached by ClinVar (database versions not stated): ExAC 0.00002; gnomAD exomes 0.00002 and 0.00006.
gnomAD v4.1: 51 of 1,613,816 alleles (0.0032%); highest among the groups gnomAD compares: Admixed American, 0.06%; no homozygotes.

Submissions (2):

Labcorp Genetics (formerly Invitae), Labcorp
Classification: Uncertain significance. Last evaluated: 2025-01-23. Review status: criteria provided, single submitter. Criteria: Invitae Variant Classification Sherloc (09022015). Collection method: clinical testing. Allele origin: germline.
Comment: This sequence change replaces lysine, which is basic and polar, with arginine, which is basic and polar, at codon 395 of the CETP protein (p.Lys395Arg). This variant is present in population databases (rs770008221, gnomAD 0.04%), and has an allele count higher than expected for a pathogenic variant. This variant has not been reported in the literature in individuals affected with CETP-related conditions. ClinVar contains an entry for this variant (Variation ID: 1511693). Invitae Evidence Modeling of protein sequence and biophysical properties (such as structural, functional, and spatial information, amino acid conservation, physicochemical variation, residue mobility, and thermodynamic stability) indicates that this missense variant is expected to disrupt CETP protein function with a positive predictive value of 80%. In summary, the available evidence is currently insufficient to determine the role of this variant in disease. Therefore, it has been classified as a Variant of Uncertain Significance.

Ambry Genetics
Classification: Uncertain significance. Last evaluated: 2024-09-10. Review status: criteria provided, single submitter. Criteria: Ambry Variant Classification Scheme 2023. Collection method: clinical testing. Allele origin: germline.

NM_000078.3(CETP):c.1184A>G (p.Lys395Arg)

Gene: CETP (cholesteryl ester transfer protein; plus strand). Cytogenetic location: 16q13.
Variant type: single nucleotide variant.
Coding change: c.1184A>G on transcript NM_000078.3 (MANE Select); coding-DNA position 1184, A replaced by G.
Protein change: p.Lys395Arg; replaces lysine 395 with arginine.
Molecular consequence: missense variant.
Genome position (GRCh38, 1-based): chr16:56,981,195, A>G. VCF-style: chr16-56981195-A-G. GRCh37 (hg19) VCF-style: chr16-57015107-A-G.
Other names: c.1184A>G (NM_000078.2); c.1004A>G, p.Lys335Arg (NM_001286085.2); short protein forms K335R, K395R.
Identifiers: ClinVar variation 1511693 (VCV001511693.9), dbSNP rs770008221, ClinGen allele CA8071263.